The following is an entry in ClinVar:

ClinVar aggregate classification (germline): Pathogenic (1 of 4 stars; one submission).

Submission:

CeGaT Center for Human Genetics Tuebingen
Classification: Pathogenic. Last evaluated: 2025-01-01. Review status: criteria provided, single submitter. Criteria: CeGaT Center For Human Genetics Tuebingen Variant Classification Criteria Version 2. Collection method: clinical testing. Allele origin: germline. Affected: yes. Observed: 2 variant alleles.
Comment: SPTAN1: PVS1, PM2

NM_001130438.3(SPTAN1):c.5988G>A (p.Trp1996Ter)

Gene: SPTAN1 (spectrin alpha, non-erythrocytic 1; plus strand). Cytogenetic location: 9q34.11.
Variant type: single nucleotide variant.
Coding change: c.5988G>A on transcript NM_001130438.3 (MANE Select); coding-DNA position 5988, G replaced by A.
Protein change: p.Trp1996Ter; replaces tryptophan 1996 with a stop codon.
Molecular consequence: nonsense.
Genome position (GRCh38, 1-based): chr9:128,624,483, G>A. VCF-style: chr9-128624483-G-A. GRCh37 (hg19) VCF-style: chr9-131386762-G-A.
Other names: c.5913G>A, p.Trp1971Ter (NM_001195532.2); c.5988G>A, p.Trp1996Ter (NM_001363759.2, NM_001375310.1, NM_001375311.2 and 1 more transcripts); c.5928G>A, p.Trp1976Ter (NM_001363765.2, NM_001375314.2); c.6024G>A, p.Trp2008Ter (NM_001375312.2, NM_001375318.1); c.5973G>A, p.Trp1991Ter (NM_003127.4); short protein forms W1971*, W1976*, W1991*, W1996*, W2008*.
Identifiers: ClinVar variation 3772212 (VCV003772212.13).
Genomic context (GRCh38, chr9:128,624,483, plus strand): 5'-GCTGGATGAGAACTCGGCCTTCCTTCAGTTCAACTGGAAGGCGGACGTGGTGGAGTCCTG[G>A]ATCGGTGAGCACTGTCAGCAAGGCCCGGAAGAGCCTTCCCAGAGCTGCTCTTTGTCTCCT-3'